The following is an entry in ClinVar:

ClinVar aggregate classification (germline): Uncertain significance (1 of 4 stars; one submission).

Conditions:
POLR2A-related disorder. Also called: POLR2A-related condition.

Submission:

PreventionGenetics, part of Exact Sciences
Classification: Uncertain significance for POLR2A-related condition. Last evaluated: 2025-09-24. Review status: criteria provided, single submitter. Criteria: ACMG Guidelines, 2015. Collection method: clinical testing. Allele origin: germline.
Comment: The POLR2A c.2761C>T variant is predicted to result in the amino acid substitution p.Arg921Cys. To our knowledge, this variant has not been reported in the literature. This variant is reported in 0.0042% of alleles in individuals of European (Finnish) descent in gnomAD. At this time, the clinical significance of this variant is uncertain due to the absence of conclusive functional and genetic evidence.

NM_000937.5(POLR2A):c.2761C>T (p.Arg921Cys)

Gene: POLR2A (RNA polymerase II subunit A; plus strand). Cytogenetic location: 17p13.1.
Variant type: single nucleotide variant.
Coding change: c.2761C>T on transcript NM_000937.5 (MANE Select); coding-DNA position 2761, C replaced by T.
Protein change: p.Arg921Cys; replaces arginine 921 with cysteine.
Molecular consequence: missense variant.
Genome position (GRCh38, 1-based): chr17:7,503,125, C>T. VCF-style: chr17-7503125-C-T. GRCh37 (hg19) VCF-style: chr17-7406444-C-T.
Other names: short protein forms R921C.
Identifiers: ClinVar variation 4985913 (VCV004985913.1).